The following is an entry in ClinVar:

ClinVar aggregate classification (germline): Pathogenic (1 of 4 stars; one submission).

Conditions:
Developmental and epileptic encephalopathy, 9 (DEE9). Also called: Early infantile epileptic encephalopathy 9; EPILEPSY, FEMALE-RESTRICTED, WITH MENTAL RETARDATION; JUBERG-HELLMAN SYNDROME; PCDH19-Related X-Linked Female-Limited Epilepsy with Mental Retardation. Identifiers: Orphanet 101039, Orphanet 2076, MedGen C1848137, MONDO:0010246, OMIM 300088. Disease mechanism: loss of function.

Submission:

Labcorp Genetics (formerly Invitae), Labcorp
Classification: Pathogenic for Developmental and epileptic encephalopathy, 9. Last evaluated: 2022-07-19. Review status: criteria provided, single submitter. Criteria: Invitae Variant Classification Sherloc (09022015). Collection method: clinical testing. Allele origin: germline.
Comment: For these reasons, this variant has been classified as Pathogenic. ClinVar contains an entry for this variant (Variation ID: 841308). This variant has not been reported in the literature in individuals affected with PCDH19-related conditions. This variant is not present in population databases (gnomAD no frequency). This sequence change creates a premature translational stop signal (p.Gln272Hisfs*47) in the PCDH19 gene. It is expected to result in an absent or disrupted protein product. Loss-of-function variants in PCDH19 are known to be pathogenic (PMID: 21053371).

Literature cited by the submitters: PubMed 21053371.

NM_001184880.2(PCDH19):c.816_817del (p.Gln272fs)

Gene: PCDH19 (protocadherin 19; minus strand). Cytogenetic location: Xq22.1.
Variant type: Deletion.
Coding change: c.816_817del on transcript NM_001184880.2 (MANE Select); coding-DNA positions 816 to 817, 2 bases deleted (GG; older notation c.816_817delGG).
Protein change: p.Gln272fs; shifts the reading frame from glutamine 272.
Molecular consequence: frameshift variant.
Genome position (GRCh38, 1-based): chrX:100,407,781-100,407,782, CC deleted on the plus strand (GG on the coding strand, the reverse complement: PCDH19 is on the minus strand). VCF-style (leftmost placement, unchanged base first): chrX-100407780-ACC-A. GRCh37 (hg19) VCF-style: chrX-99662778-ACC-A.
Other names: c.816_817del, p.Gln272fs (NM_001105243.2, NM_020766.3); short protein forms Q272fs.
Identifiers: ClinVar variation 841308 (VCV000841308.8), dbSNP rs1928426655, ClinGen allele CA916083981.